The following is an entry in ClinVar:

ClinVar aggregate classification (germline): Uncertain significance (1 of 4 stars; one submission).

Submission:

GeneDx
Classification: Uncertain significance. Last evaluated: 2025-02-12. Review status: criteria provided, single submitter. Criteria: GeneDx Variant Classification Process June 2021. Collection method: clinical testing. Allele origin: germline. Affected: yes.
Comment: Not observed at significant frequency in large population cohorts (gnomAD); In silico analysis supports that this missense variant has a deleterious effect on protein structure/function; Has not been previously published as pathogenic or benign to our knowledge

NM_001943.5(DSG2):c.1151A>C (p.Glu384Ala)

Gene: DSG2 (desmoglein 2; plus strand). Cytogenetic location: 18q12.1.
Variant type: single nucleotide variant.
Coding change: c.1151A>C on transcript NM_001943.5 (MANE Select); coding-DNA position 1151, A replaced by C.
Protein change: p.Glu384Ala; replaces glutamic acid 384 with alanine.
Molecular consequence: missense variant.
Genome position (GRCh38, 1-based): chr18:31,531,123, A>C. VCF-style: chr18-31531123-A-C. GRCh37 (hg19) VCF-style: chr18-29111086-A-C.
Other names: short protein forms E384A.
Identifiers: ClinVar variation 4075561 (VCV004075561.1).